The following is an entry in ClinVar:

ClinVar aggregate classification (germline): Uncertain significance (1 of 4 stars; one submission).

Conditions:
Multiple endocrine neoplasia, type 2 (MEN2). Identifiers: Orphanet 653, MedGen C4048306, MONDO:0019003. Disease mechanism: gain of function.

Submission:

Labcorp Genetics (formerly Invitae), Labcorp
Classification: Uncertain significance for Multiple endocrine neoplasia, type 2. Last evaluated: 2023-10-30. Review status: criteria provided, single submitter. Criteria: Invitae Variant Classification Sherloc (09022015). Collection method: clinical testing. Allele origin: germline.
Comment: This sequence change replaces glutamine, which is neutral and polar, with lysine, which is basic and polar, at codon 583 of the RET protein (p.Gln583Lys). This variant is not present in population databases (gnomAD no frequency). This missense change has been observed in individual(s) with clinical features of RET-related conditions (PMID: 29420094). An algorithm developed to predict the effect of missense changes on protein structure and function (PolyPhen-2) suggests that this variant is likely to be disruptive. In summary, the available evidence is currently insufficient to determine the role of this variant in disease. Therefore, it has been classified as a Variant of Uncertain Significance.

Literature cited by the submitters: PubMed 29420094.

NM_020975.6(RET):c.1747C>A (p.Gln583Lys)

Gene: RET (ret proto-oncogene; plus strand). Cytogenetic location: 10q11.21.
Variant type: single nucleotide variant.
Coding change: c.1747C>A on transcript NM_020975.6 (MANE Select); coding-DNA position 1747, C replaced by A.
Protein change: p.Gln583Lys; replaces glutamine 583 with lysine.
Molecular consequence: missense variant.
Genome position (GRCh38, 1-based): chr10:43,112,951, C>A. VCF-style: chr10-43112951-C-A. GRCh37 (hg19) VCF-style: chr10-43608399-C-A.
Other names: c.1351C>A, p.Gln451Lys (NM_001406769.1, NM_001406772.1); c.1459C>A, p.Gln487Lys (NM_001406770.1, NM_001406766.1, NM_001406767.1); c.1309C>A, p.Gln437Lys (NM_001406771.1, NM_001406773.1); c.1222C>A, p.Gln408Lys (NM_001406774.1); c.1021C>A, p.Gln341Lys (NM_001406775.1, NM_001406776.1, NM_001406777.1 and 1 more transcripts); c.1747C>A, p.Gln583Lys (NM_000323.2, NM_001406743.1, NM_001406744.1 and 6 more transcripts); c.985C>A, p.Gln329Lys (NM_001355216.2); c.1618C>A, p.Gln540Lys (NM_001406761.1, NM_001406762.1, NM_001406764.1 and 1 more transcripts); and 5 more; short protein forms Q188K, Q241K, Q253K, Q408K, Q437K, Q540K, Q284K, Q341K.
Identifiers: ClinVar variation 2772972 (VCV002772972.3), dbSNP rs2132817062, ClinGen allele CA376552190.